The following is an entry in ClinVar:

NM_001330078.2(NRXN1):c.4217-16A>C

Gene: NRXN1 (neurexin 1; minus strand). Cytogenetic location: 2p16.3.
Variant type: single nucleotide variant.
Coding change: c.4217-16A>C on transcript NM_001330078.2 (MANE Select); 16 bases into the intron before coding-DNA position 4217, A replaced by C.
Molecular consequence: intron variant.
Genome position (GRCh38, 1-based): chr2:49,922,267, T>G on the plus strand (A>C on the coding strand, the complement: NRXN1 is on the minus strand). VCF-style: chr2-49922267-T-G. GRCh37 (hg19) VCF-style: chr2-50149405-T-G.
Other names: c.4007-16A>C (NM_001330096.2); c.4016-16A>C (NM_001330087.2); c.4052-16A>C (NM_001330083.2); c.4151-16A>C (NM_001330084.2); c.4037-16A>C (NM_001330088.2); c.4214-16A>C (NM_001330093.2); c.4196-16A>C (NM_001330094.2); c.4076-16A>C (NM_001330095.2); and 12 more.
Identifiers: ClinVar variation 138543 (VCV000138543.10), dbSNP rs74520052, ClinGen allele CA292588.
Genomic context (GRCh38, chr2:49,922,267, plus strand): 5'-CTGAGCCTGGATACGGCTCTCTGCCGCCTGCTCGGGTTGGGTTGGCTATAGAAAAGAGGA[T>G]GAGAACAAACACAAAGTGATCATTGAGTTCACTGAATACCAGAGAGCTATATTAACATTT-3'

ClinVar aggregate classification (germline): Benign/Likely benign. Review status: criteria provided, multiple submitters, no conflicts (2 of 4 stars). 3 submissions from 3 submitters: Benign (2); Likely benign (1). Last evaluated 2026-01-28.

Conditions:
Pitt-Hopkins-like syndrome 2 (PTHSL2). Identifiers: Orphanet 221150, Orphanet 600663, MedGen C3280479, MONDO:0013690, OMIM 614325.
Chromosome 2p16.3 deletion syndrome. Identifiers: MedGen C3808494, MONDO:0013696, OMIM 614332.

Allele frequency attached by ClinVar (database versions not stated): ExAC 0.00340; 1000 Genomes Project 0.00719; 1000 Genomes Project 30x 0.00859; gnomAD 0.00886 and 0.00964; ESP Exome Variant Server 0.00953; TOPMed 0.01037.
gnomAD v4.1: 2,645 of 1,607,858 alleles (0.16%); highest among the groups gnomAD compares: African/African-American, 3.2%; 45 homozygotes.

Submissions (3):

Labcorp Genetics (formerly Invitae), Labcorp
Classification: Benign for Pitt-Hopkins-like syndrome 2. Last evaluated: 2026-01-28. Review status: criteria provided, single submitter. Criteria: Invitae Variant Classification Sherloc (09022015). Collection method: clinical testing. Allele origin: germline.

Fulgent Genetics
Classification: Likely benign for Pitt-Hopkins-like syndrome 2; Chromosome 2p16.3 deletion syndrome. Last evaluated: 2022-05-24. Review status: criteria provided, single submitter. Criteria: ACMG Guidelines, 2015. Collection method: clinical testing. Allele origin: unknown.

GeneDx
Classification: Benign. Last evaluated: 2012-05-10. Review status: criteria provided, single submitter. Criteria: GeneDx Variant Classification (06012015). Collection method: clinical testing. Allele origin: germline. Affected: yes.
Comment: This variant is considered likely benign or benign based on one or more of the following criteria: it is a conservative change, it occurs at a poorly conserved position in the protein, it is predicted to be benign by multiple in silico algorithms, and/or has population frequency not consistent with disease.